The following is an entry in ClinVar:

ClinVar aggregate classification (germline): Uncertain significance (1 of 4 stars; one submission).

Conditions:
Cardiovascular phenotype. Identifiers: MedGen CN230736.

gnomAD v4.1: 4 of 1,612,180 alleles (0.00025%); highest among the groups gnomAD compares: Non-Finnish European, 0.00034%; no homozygotes.

Submission:

Ambry Genetics
Classification: Uncertain significance for Cardiovascular phenotype. Last evaluated: 2024-04-26. Review status: criteria provided, single submitter. Criteria: Ambry Variant Classification Scheme 2023. Collection method: clinical testing. Allele origin: germline.
Comment: The p.T1410K variant (also known as c.4229C>A), located in coding exon 26 of the APOB gene, results from a C to A substitution at nucleotide position 4229. The threonine at codon 1410 is replaced by lysine, an amino acid with similar properties. This amino acid position is conserved. In addition, this alteration is predicted to be tolerated by in silico analysis. Based on the available evidence, the clinical significance of this variant remains unclear.

NM_000384.3(APOB):c.4229C>A (p.Thr1410Lys)

Gene: APOB (apolipoprotein B; minus strand). Cytogenetic location: 2p24.1.
Variant type: single nucleotide variant.
Coding change: c.4229C>A on transcript NM_000384.3 (MANE Select); coding-DNA position 4229, C replaced by A.
Protein change: p.Thr1410Lys; replaces threonine 1410 with lysine.
Molecular consequence: missense variant.
Genome position (GRCh38, 1-based): chr2:21,012,639, G>T on the plus strand (C>A on the coding strand, the complement: APOB is on the minus strand). VCF-style: chr2-21012639-G-T. GRCh37 (hg19) VCF-style: chr2-21235511-G-T.
Other names: short protein forms T1410K.
Identifiers: ClinVar variation 3307799 (VCV003307799.1).
Genomic context (GRCh38, chr2:21,012,639, plus strand): 5'-AATTTGTGGCGTAGAGACCCATCACATGATAGTGTGAACGTATTCTTGTGGTCATATGTT[G>T]TTTCTCCAGATCCTAACATAAAAATGAAAAGACATTGGTTAAATTAAGCAGTACATTTCC-3'
Protein context (NP_000375.3, residues 1400-1420): LSYNVQGSGE[Thr1410Lys]TYDHKNTFTL